The following is an entry in ClinVar:

ClinVar aggregate classification (germline): Benign. Review status: criteria provided, multiple submitters, no conflicts (2 of 4 stars). 7 submissions from 6 submitters: Benign (5). 2 of the submissions do not count toward it. Last evaluated 2021-11-07.

Conditions:
Autosomal recessive nonsyndromic hearing loss 84A. Also called: DEAFNESS, AUTOSOMAL RECESSIVE 84A; DEAFNESS, AUTOSOMAL RECESSIVE 84A, WITH VESTIBULAR DYSFUNCTION. Identifiers: Orphanet 90636, MedGen C3150654, MONDO:0013249, OMIM 613391.
Hearing loss, autosomal dominant 73. Also called: DEAFNESS, AUTOSOMAL DOMINANT 73. Identifiers: MedGen C4540024, MONDO:0033260, OMIM 617663.

Allele frequency attached by ClinVar (database versions not stated): 1000 Genomes Project 0.75020; 1000 Genomes Project 30x 0.75547; gnomAD 0.84044; TOPMed 0.84197; gnomAD exomes 0.85390 and 0.90756; ExAC 0.87557; ESP Exome Variant Server 0.88590.
gnomAD v4.1: 1,396,608 of 1,550,052 alleles (90%); highest among the groups gnomAD compares: Non-Finnish European, 93%; 634,944 homozygotes.

Submissions (7):

Genome-Nilou Lab
Classification: Benign for Hearing loss, autosomal dominant 73. Last evaluated: 2021-11-07. Review status: criteria provided, single submitter. Criteria: ACMG Guidelines, 2015. Collection method: clinical testing. Allele origin: germline. Affected: no.

Genome-Nilou Lab
Classification: Benign for Autosomal recessive nonsyndromic hearing loss 84A. Last evaluated: 2021-11-07. Review status: criteria provided, single submitter. Criteria: ACMG Guidelines, 2015. Collection method: clinical testing. Allele origin: germline. Affected: no.

Mendelics
Classification: Benign for Autosomal recessive nonsyndromic hearing loss 84A. Last evaluated: 2019-05-28. Review status: criteria provided, single submitter. Criteria: Mendelics Assertion Criteria 2017. Collection method: clinical testing. Allele origin: unknown.

GeneDx
Classification: Benign. Last evaluated: 2018-06-16. Review status: criteria provided, single submitter. Criteria: GeneDx Variant Classification (06012015). Collection method: clinical testing. Allele origin: germline. Affected: yes.
Comment: This variant is considered likely benign or benign based on one or more of the following criteria: it is a conservative change, it occurs at a poorly conserved position in the protein, it is predicted to be benign by multiple in silico algorithms, and/or has population frequency not consistent with disease.

Breakthrough Genomics
Classification: Benign. Review status: criteria provided, single submitter. Criteria: ACMG Guidelines, 2015. Collection method: not provided. Allele origin: germline. Inheritance: Autosomal recessive inheritance. Affected: yes.

Diagnostic Laboratory, Department of Genetics, University Medical Center Groningen
Classification: Benign. Review status: no assertion criteria provided. Collection method: clinical testing. Allele origin: germline. Affected: yes. Study: VKGL Data-share Consensus. Not counted in ClinVar's aggregate classification.

Joint Genome Diagnostic Labs from Nijmegen and Maastricht, Radboudumc and MUMC+
Classification: Benign. Review status: no assertion criteria provided. Collection method: clinical testing. Allele origin: germline. Affected: yes. Study: VKGL Data-share Consensus. Not counted in ClinVar's aggregate classification.

NM_001145026.2(PTPRQ):c.1934T>A (p.Val645Asp)

Gene: PTPRQ (protein tyrosine phosphatase receptor type Q; plus strand). Cytogenetic location: 12q21.31.
Variant type: single nucleotide variant.
Coding change: c.1934T>A on transcript NM_001145026.2 (MANE Select); coding-DNA position 1934, T replaced by A.
Protein change: p.Val645Asp; replaces valine 645 with aspartic acid.
Molecular consequence: missense variant.
Genome position (GRCh38, 1-based): chr12:80,496,050, T>A. VCF-style: chr12-80496050-T-A. GRCh37 (hg19) VCF-style: chr12-80889829-T-A.
Other names: short protein forms V645D.
Identifiers: ClinVar variation 682569 (VCV000682569.10), dbSNP rs10778752, ClinGen allele CA6702487.
Genomic context (GRCh38, chr12:80,496,050, plus strand): 5'-TCCTTATAGGGTTAAAGAAATACACAAAATACAAAATGAGAGTGGCAGCCTCAACCCACG[T>A]TGGAGAAAGTTCTTTGTCTGAAGAAAATGACATCTTTGTGAGAACTTCAGAAGATGGTAA-3'
Protein context (NP_001138498.1, residues 635-655): YKMRVAASTH[Val645Asp]GESSLSEEND